The following is an entry in ClinVar:

NM_000426.4(LAMA2):c.19dup (p.Val7fs)

Gene: LAMA2 (laminin subunit alpha 2; plus strand). Cytogenetic location: 6q22.33.
Variant type: Duplication.
Coding change: c.19dup on transcript NM_000426.4 (MANE Select); coding-DNA position 19, one base duplicated (G; older notation c.19dupG).
Protein change: p.Val7fs; shifts the reading frame from valine 7.
Molecular consequence: frameshift variant.
Genome position (GRCh38, 1-based): chr6:128,883,264, G duplicated; the last of 4 consecutive G bases (chr6:128,883,261-128,883,264); duplicating any one gives the same sequence. VCF-style (leftmost placement, unchanged base first): chr6-128883260-C-CG. GRCh37 (hg19) VCF-style: chr6-129204405-C-CG.
Other names: c.19dup, p.Val7fs (NM_001079823.2); short protein forms V7fs.
Identifiers: ClinVar variation 5012022 (VCV005012022.1).

ClinVar aggregate classification (germline): Pathogenic (1 of 4 stars; one submission).

Conditions:
LAMA2-related muscular dystrophy (LAMA2-RD). Also called: Laminin alpha 2-related dystrophy. Identifiers: MedGen C5679788, MONDO:0100228.

Submission:

Myriad Genetics, Inc.
Classification: Pathogenic for LAMA2-related muscular dystrophy. Last evaluated: 2023-09-27. Review status: criteria provided, single submitter. Criteria: Myriad Autosomal Dominant, Autosomal Recessive and X-Linked Classification Criteria (2023). Collection method: clinical testing. Allele origin: unknown.
Comment: NM_000426.3(LAMA2):c.19dupG(V7Gfs*43) is expected to be pathogenic in the context of muscular dystrophy, LAMA2-related. This variant is predicted to lead to an abnormal or absent protein product due to the creation of a premature termination codon in LAMA2, a gene where loss-of-function variants are known to be pathogenic. Please note: this variant was assessed in the context of healthy population screening.